The following is an entry in ClinVar:

ClinVar aggregate classification (germline): Uncertain significance. Review status: criteria provided, multiple submitters, no conflicts (2 of 4 stars). 3 submissions from 3 submitters: Uncertain significance (2). 1 of the submissions does not count toward it. Last evaluated 2025-11-24.

Conditions:
Short stature. Identifiers: MedGen C0349588, HP:0004322.

Allele frequency attached by ClinVar (database versions not stated): ExAC 0.00003; gnomAD exomes 0.00006 and 0.00012; ESP Exome Variant Server 0.00008; gnomAD 0.00009 and 0.00010; TOPMed 0.00009.
gnomAD v4.1: 181 of 1,613,792 alleles (0.011%); highest among the groups gnomAD compares: South Asian, 0.018%; no homozygotes.

Submissions (3):

Labcorp Genetics (formerly Invitae), Labcorp
Classification: Uncertain significance. Last evaluated: 2025-11-24. Review status: criteria provided, single submitter. Criteria: Invitae Variant Classification Sherloc (09022015). Collection method: clinical testing. Allele origin: germline.
Comment: This sequence change replaces arginine, which is basic and polar, with histidine, which is basic and polar, at codon 827 of the RNF31 protein (p.Arg827His). This variant is present in population databases (rs377035972, gnomAD 0.02%). This variant has not been reported in the literature in individuals affected with RNF31-related conditions. ClinVar contains an entry for this variant (Variation ID: 599587). An algorithm developed to predict the effect of missense changes on protein structure and function (PolyPhen-2) suggests that this variant is likely to be tolerated. In summary, the available evidence is currently insufficient to determine the role of this variant in disease. Therefore, it has been classified as a Variant of Uncertain Significance.

Ambry Genetics
Classification: Uncertain significance. Last evaluated: 2023-12-20. Review status: criteria provided, single submitter. Criteria: Ambry Variant Classification Scheme 2023. Collection method: clinical testing. Allele origin: germline.

Institute of Human Genetics, FAU Erlangen, Friedrich-Alexander-Universität Erlangen-Nürnberg
Classification: Likely pathogenic for Short stature. Last evaluated: 2001-11-18. Review status: no assertion criteria provided. Collection method: case-control. Allele origin: unknown. Affected: yes. Not counted in ClinVar's aggregate classification.

NM_017999.5(RNF31):c.2480G>A (p.Arg827His)

Gene: RNF31 (ring finger protein 31; plus strand). Cytogenetic location: 14q12.
Variant type: single nucleotide variant.
Coding change: c.2480G>A on transcript NM_017999.5 (MANE Select); coding-DNA position 2480, G replaced by A.
Protein change: p.Arg827His; replaces arginine 827 with histidine.
Molecular consequence: missense variant.
Genome position (GRCh38, 1-based): chr14:24,155,679, G>A. VCF-style: chr14-24155679-G-A. GRCh37 (hg19) VCF-style: chr14-24624888-G-A.
Other names: c.2027G>A, p.Arg676His (NM_001310332.2); short protein forms R827H, R676H.
Identifiers: ClinVar variation 599587 (VCV000599587.6), dbSNP rs377035972, ClinGen allele CA7126067.